The following is an entry in ClinVar:

ClinVar aggregate classification (germline): Uncertain significance (1 of 4 stars; one submission).

Submission:

GeneDx
Classification: Uncertain significance. Last evaluated: 2019-06-27. Review status: criteria provided, single submitter. Criteria: GeneDx Variant Classification Process June 2021. Collection method: clinical testing. Allele origin: germline. Affected: yes.
Comment: Not observed in large population cohorts (Lek et al., 2016); Frameshift variant predicted to result in protein truncation or nonsense mediated decay in a gene for which loss-of-function is not a known mechanism of disease; Has not been previously published as pathogenic or benign to our knowledge

NM_003070.5(SMARCA2):c.4157_4166del (p.Gln1386fs)

Gene: SMARCA2 (SWI/SNF related, matrix associated, actin dependent regulator of chromatin, subfamily a, member 2; plus strand). Cytogenetic location: 9p24.3.
Variant type: Deletion.
Coding change: c.4157_4166del on transcript NM_003070.5 (MANE Select); coding-DNA positions 4157 to 4166, 10 bases deleted (AGATGAACGC; older notation c.4157_4166delAGATGAACGC).
Protein change: p.Gln1386fs; shifts the reading frame from glutamine 1386.
Molecular consequence: frameshift variant.
Genome position (GRCh38, 1-based): chr9:2,161,861-2,161,870, AGATGAACGC deleted; deleting any 10 consecutive bases within chr9:2,161,859-2,161,870 gives the same sequence; the c. name uses the placement nearest the transcript's 3' end. VCF-style (leftmost placement, unchanged base first): chr9-2161858-AGCAGATGAAC-A. GRCh37 (hg19) VCF-style: chr9-2161858-AGCAGATGAAC-A.
Other names: c.4157_4166delAGATGAACGC, p.Gln1386Leufs (NM_001289396.2); c.3983_3992del, p.Gln1328fs (NM_001289397.2); c.185_194del, p.Gln62fs (NM_001289398.2); c.269_278delAGATGAACGC, p.Gln90Leufs (NM_001289399.2); c.275_284delAGATGAACGC, p.Gln92Leufs (NM_001289400.2); c.4157_4166del, p.Gln1386fs (NM_139045.4); short protein forms Q1328fs, Q1386fs, Q62fs, Q90fs, Q92fs.
Identifiers: ClinVar variation 1306761 (VCV001306761.2), dbSNP rs2129641411, ClinGen allele CA2573053161.